The following is an entry in ClinVar:

ClinVar aggregate classification (germline): Uncertain significance (1 of 4 stars; one submission).

Submission:

Labcorp Genetics (formerly Invitae), Labcorp
Classification: Uncertain significance. Last evaluated: 2025-10-07. Review status: criteria provided, single submitter. Criteria: Invitae Variant Classification Sherloc (09022015). Collection method: clinical testing. Allele origin: germline.
Comment: This sequence change falls in intron 3 of the CUL3 gene. It does not directly change the encoded amino acid sequence of the CUL3 protein. This variant is present in population databases (rs763033009, gnomAD 0.005%). This variant has not been reported in the literature in individuals affected with CUL3-related conditions. Algorithms developed to predict the effect of sequence changes on RNA splicing suggest that this variant may disrupt the consensus splice site. In summary, the available evidence is currently insufficient to determine the role of this variant in disease. Therefore, it has been classified as a Variant of Uncertain Significance.

NM_003590.5(CUL3):c.379-10_379-9del

Gene: CUL3 (cullin 3; minus strand). Cytogenetic location: 2q36.2.
Variant type: Deletion.
Coding change: c.379-10_379-9del on transcript NM_003590.5 (MANE Select); 10 bases into the intron before coding-DNA position 379 through 9 bases into the intron before coding-DNA position 379, 2 bases deleted (TT; older notation c.379-10_379-9delTT).
Molecular consequence: intron variant.
Genome position (GRCh38, 1-based): chr2:224,514,781-224,514,782, AA deleted on the plus strand (TT on the coding strand, the reverse complement: CUL3 is on the minus strand); deleting any 2 consecutive bases within chr2:224,514,781-224,514,783 gives the same sequence; the c. name uses the placement nearest the transcript's 3' end. VCF-style (leftmost placement, unchanged base first): chr2-224514780-TAA-T. GRCh37 (hg19) VCF-style: chr2-225379497-TAA-T.
Other names: c.181-10_181-9del (NM_001257197.2); c.397-10_397-9del (NM_001257198.2).
Identifiers: ClinVar variation 4700014 (VCV004700014.1).
Genomic context (GRCh38, chr2:224,514,780, plus strand): 5'-AATCCCAAATTGTAGACGTTCTCCACATTATTTTGTTGTACATACACACGGTCCTACAGT[TAA>T]AGTCATATAAATATGAGTACAGTTCTTGTGAGCATAATAATTATTGTGTGCTACAATAAC-3'